The following is an entry in ClinVar:

NM_000179.3(MSH6):c.1005T>A (p.Asn335Lys)

Gene: MSH6 (mutS homolog 6; plus strand). Cytogenetic location: 2p16.3.
Variant type: single nucleotide variant.
Coding change: c.1005T>A on transcript NM_000179.3 (MANE Select); coding-DNA position 1005, T replaced by A.
Protein change: p.Asn335Lys; replaces asparagine 335 with lysine.
Molecular consequence: missense variant. On other transcripts: non-coding transcript variant (4), intron variant (1).
Genome position (GRCh38, 1-based): chr2:47,798,988, T>A. VCF-style: chr2-47798988-T-A. GRCh37 (hg19) VCF-style: chr2-48026127-T-A.
Other names: c.615T>A, p.Asn205Lys (NM_001281492.2); c.99T>A, p.Asn33Lys (NM_001281493.2, NM_001281494.2, NM_001406811.1 and 6 more transcripts); c.1101T>A, p.Asn367Lys (NM_001406795.1, NM_001406802.1); c.1005T>A, p.Asn335Lys (NM_001406796.1, NM_001406798.1, NM_001406800.1 and 4 more transcripts); c.708T>A, p.Asn236Lys (NM_001406797.1, NM_001406801.1, NM_001406805.1 and 10 more transcripts); c.480T>A, p.Asn160Lys (NM_001406799.1, NM_001406806.1, NM_001406807.1); c.927T>A, p.Asn309Lys (NM_001406804.1); c.1011T>A, p.Asn337Lys (NM_001406813.1); and 2 more; short protein forms N160K, N205K, N236K, N279K, N309K, N335K, N337K, N33K.
Identifiers: ClinVar variation 4758953 (VCV004758953.1).

ClinVar aggregate classification (germline): Uncertain significance (1 of 4 stars; one submission).

Conditions:
Hereditary cancer-predisposing syndrome. Also called: Neoplastic Syndromes, Hereditary; Hereditary neoplastic syndrome; Tumor predisposition; Hereditary Cancer Syndrome. Identifiers: Orphanet 140162, MedGen C0027672, MeSH D009386, MONDO:0015356.

Submission:

Color Diagnostics, LLC DBA Color Health
Classification: Uncertain significance for Hereditary cancer-predisposing syndrome. Last evaluated: 2025-07-08. Review status: criteria provided, single submitter. Criteria: ACMG Guidelines, 2015. Collection method: clinical testing. Allele origin: germline.
Comment: This missense variant replaces asparagine with lysine at codon 335 of the MSH6 protein. Computational prediction suggests that this variant may not impact protein structure and function. To our knowledge, functional studies have not been reported for this variant. This variant has not been reported in individuals affected with MSH6-related disorders in the literature. This variant has not been identified in the general population by the Genome Aggregation Database (gnomAD). The available evidence is insufficient to determine the role of this variant in disease conclusively. Therefore, this variant is classified as a Variant of Uncertain Significance.